The following is an entry in ClinVar:

ClinVar aggregate classification (germline): Uncertain significance (1 of 4 stars; one submission).

Conditions:
Pulmonary fibrosis and/or bone marrow failure, Telomere-related, 3. Also called: PULMONARY FIBROSIS AND/OR BONE MARROW FAILURE SYNDROME, TELOMERE-RELATED, 3. Identifiers: Orphanet 2032, MedGen C4225346, MONDO:0014613, OMIM 616373.
Dyskeratosis congenita, autosomal recessive 5 (DKCB5). Identifiers: MedGen C3554656, MONDO:0014076, OMIM 615190.

Allele frequency attached by ClinVar (database versions not stated): gnomAD 0.00001; TOPMed 0.00002.
gnomAD v4.1: 29 of 1,609,980 alleles (0.0018%); highest among the groups gnomAD compares: South Asian, 0.0088%; no homozygotes.

Submission:

Labcorp Genetics (formerly Invitae), Labcorp
Classification: Uncertain significance for Dyskeratosis congenita, autosomal recessive 5; Pulmonary fibrosis and/or bone marrow failure, Telomere-related, 3. Last evaluated: 2026-01-08. Review status: criteria provided, single submitter. Criteria: Invitae Variant Classification Sherloc (09022015). Collection method: clinical testing. Allele origin: germline.
Comment: This sequence change falls in intron 32 of the RTEL1 gene. It does not directly change the encoded amino acid sequence of the RTEL1 protein. This variant is present in population databases (no rsID available, gnomAD 0.004%). This variant has not been reported in the literature in individuals affected with RTEL1-related conditions. ClinVar contains an entry for this variant (Variation ID: 2927878). Algorithms developed to predict the effect of sequence changes on RNA splicing suggest that this variant may create or strengthen a splice site. In summary, the available evidence is currently insufficient to determine the role of this variant in disease. Therefore, it has been classified as a Variant of Uncertain Significance.

NM_001283009.2(RTEL1):c.3343+15C>T

Genes: RTEL1 (regulator of telomere elongation helicase 1; plus strand), RTEL1-TNFRSF6B (RTEL1-TNFRSF6B readthrough (NMD candidate); plus strand). Cytogenetic location: 20q13.33.
Variant type: single nucleotide variant.
Coding change: c.3343+15C>T on transcript NM_001283009.2 (MANE Select); 15 bases into the intron after coding-DNA position 3343, C replaced by T.
Molecular consequence: intron variant.
Genome position (GRCh38, 1-based): chr20:63,694,989, C>T. VCF-style: chr20-63694989-C-T. GRCh37 (hg19) VCF-style: chr20-62326342-C-T.
Other names: c.2674+15C>T (NM_001283010.1); c.3415+15C>T (NM_032957.5); c.3343+15C>T (NM_016434.4).
Identifiers: ClinVar variation 2927878 (VCV002927878.3), dbSNP rs931857190, ClinGen allele CA317528728.